The following is an entry in ClinVar:

NM_001244008.2(KIF1A):c.4633C>A (p.Pro1545Thr)

Gene: KIF1A (kinesin family member 1A; minus strand). Cytogenetic location: 2q37.3.
Variant type: single nucleotide variant.
Coding change: c.4633C>A on transcript NM_001244008.2 (MANE Select); coding-DNA position 4633, C replaced by A.
Protein change: p.Pro1545Thr; replaces proline 1545 with threonine.
Molecular consequence: missense variant.
Genome position (GRCh38, 1-based): chr2:240,722,488, G>T on the plus strand (C>A on the coding strand, the complement: KIF1A is on the minus strand). VCF-style: chr2-240722488-G-T. GRCh37 (hg19) VCF-style: chr2-241661905-G-T.
Other names: c.4357C>A, p.Pro1453Thr (NM_001320705.2, NM_001379649.1); c.4384C>A, p.Pro1462Thr (NM_001330289.2); c.4432C>A, p.Pro1478Thr (NM_001330290.2, NM_001379648.1); c.4708C>A, p.Pro1570Thr (NM_001379631.1); c.4609C>A, p.Pro1537Thr (NM_001379632.1); c.4606C>A, p.Pro1536Thr (NM_001379633.1, NM_001379645.1); c.4459C>A, p.Pro1487Thr (NM_001379634.1); c.4456C>A, p.Pro1486Thr (NM_001379635.1, NM_001379646.1); and 7 more; short protein forms P1444T, P1469T, P1487T, P1537T, P1461T, P1462T, P1536T, P1570T.
Identifiers: ClinVar variation 1400026 (VCV001400026.8), dbSNP rs1422413312, ClinGen allele CA351303686.

ClinVar aggregate classification (germline): Uncertain significance (1 of 4 stars; one submission).

Conditions:
Hereditary spastic paraplegia 30. Identifiers: Orphanet 101010, MedGen C5235139, MONDO:0012476.
Neuropathy, hereditary sensory, type 2C. Also called: Hereditary sensory and autonomic neuropathy type IIC; KIF1A-Related HSAN2 (HSAN2C). Identifiers: Orphanet 970, MedGen C3280168, MONDO:0013634, OMIM 614213.
Intellectual disability, autosomal dominant 9 (NESCAVS). Also called: NESCAV SYNDROME; KIF1A-Related Neurodevelopmental Disorder. Identifiers: Orphanet 662367, MedGen C5393830, MONDO:0013656, OMIM 614255.

Allele frequency attached by ClinVar (database versions not stated): gnomAD exomes below 0.00001; gnomAD 0.00001.
gnomAD v4.1: 4 of 1,547,412 alleles (0.00026%); highest among the groups gnomAD compares: Non-Finnish European, 0.00026%; no homozygotes.

Submission:

Labcorp Genetics (formerly Invitae), Labcorp
Classification: Uncertain significance for Hereditary spastic paraplegia 30; Neuropathy, hereditary sensory, type 2C; Intellectual disability, autosomal dominant 9. Last evaluated: 2022-04-15. Review status: criteria provided, single submitter. Criteria: Invitae Variant Classification Sherloc (09022015). Collection method: clinical testing. Allele origin: germline.
Comment: In summary, the available evidence is currently insufficient to determine the role of this variant in disease. Therefore, it has been classified as a Variant of Uncertain Significance. Advanced modeling of protein sequence and biophysical properties (such as structural, functional, and spatial information, amino acid conservation, physicochemical variation, residue mobility, and thermodynamic stability) performed at Invitae indicates that this missense variant is not expected to disrupt KIF1A protein function. This variant has not been reported in the literature in individuals affected with KIF1A-related conditions. The frequency data for this variant in the population databases is considered unreliable, as metrics indicate poor data quality at this position in the gnomAD database. This sequence change replaces proline, which is neutral and non-polar, with threonine, which is neutral and polar, at codon 1444 of the KIF1A protein (p.Pro1444Thr).